The following is an entry in ClinVar:

ClinVar aggregate classification (germline): Uncertain significance. Review status: criteria provided, multiple submitters, no conflicts (2 of 4 stars). 2 submissions from 2 submitters: Uncertain significance (2). Last evaluated 2025-12-29.

Conditions:
Pitt-Hopkins-like syndrome 2 (PTHSL2). Identifiers: Orphanet 221150, Orphanet 600663, MedGen C3280479, MONDO:0013690, OMIM 614325.
Inborn genetic diseases. Identifiers: MedGen C0950123, MeSH D030342.

Allele frequency attached by ClinVar (database versions not stated): gnomAD exomes below 0.00001; TOPMed 0.00001; gnomAD 0.00002.
gnomAD v4.1: 4 of 1,614,014 alleles (0.00025%); highest among the groups gnomAD compares: Non-Finnish European, 0.00034%; no homozygotes.

Submissions (2):

Ambry Genetics
Classification: Uncertain significance for Inborn genetic diseases. Last evaluated: 2025-12-29. Review status: criteria provided, single submitter. Criteria: Ambry Variant Classification Scheme 2023. Collection method: clinical testing. Allele origin: germline.

Labcorp Genetics (formerly Invitae), Labcorp
Classification: Uncertain significance for Pitt-Hopkins-like syndrome 2. Last evaluated: 2025-12-03. Review status: criteria provided, single submitter. Criteria: Invitae Variant Classification Sherloc (09022015). Collection method: clinical testing. Allele origin: germline.
Comment: This sequence change replaces glycine, which is neutral and non-polar, with serine, which is neutral and polar, at codon 1472 of the NRXN1 protein (p.Gly1472Ser). This variant is not present in population databases (gnomAD no frequency). This variant has not been reported in the literature in individuals affected with NRXN1-related conditions. ClinVar contains an entry for this variant (Variation ID: 2139513). Invitae Evidence Modeling of protein sequence and biophysical properties (such as structural, functional, and spatial information, amino acid conservation, physicochemical variation, residue mobility, and thermodynamic stability) indicates that this missense variant is not expected to disrupt NRXN1 protein function with a negative predictive value of 80%. In summary, the available evidence is currently insufficient to determine the role of this variant in disease. Therefore, it has been classified as a Variant of Uncertain Significance.

NM_001330078.2(NRXN1):c.4294G>A (p.Gly1432Ser)

Gene: NRXN1 (neurexin 1; minus strand). Cytogenetic location: 2p16.3.
Variant type: single nucleotide variant.
Coding change: c.4294G>A on transcript NM_001330078.2 (MANE Select); coding-DNA position 4294, G replaced by A.
Protein change: p.Gly1432Ser; replaces glycine 1432 with serine.
Molecular consequence: missense variant.
Genome position (GRCh38, 1-based): chr2:49,922,174, C>T on the plus strand (G>A on the coding strand, the complement: NRXN1 is on the minus strand). VCF-style: chr2-49922174-C-T. GRCh37 (hg19) VCF-style: chr2-50149312-C-T.
Other names: c.4414G>A (NM_001135659.1); c.4414G>A, p.Gly1472Ser (NM_001135659.3); c.199G>A, p.Gly67Ser (NM_001320156.4); c.190G>A, p.Gly64Ser (NM_001320157.4); c.1189G>A, p.Gly397Ser (NM_001330092.2); c.4291G>A, p.Gly1431Ser (NM_001330093.2); c.4273G>A, p.Gly1425Ser (NM_001330094.2); c.4153G>A, p.Gly1385Ser (NM_001330095.2); and 13 more; short protein forms G1365S, G1410S, G1424S, G1431S, G364S, G367S, G394S, G64S.
Identifiers: ClinVar variation 2139513 (VCV002139513.5), dbSNP rs867493685, ClinGen allele CA47801022.